The following is an entry in ClinVar:

ClinVar aggregate classification (germline): Likely benign. Review status: criteria provided, single submitter (1 of 4 stars). 2 submissions from 2 submitters: Likely benign (1). 1 of the submissions does not count toward it. Last evaluated 2024-02-03.

Conditions:
PCNT-related disorder. Also called: PCNT-related condition.

Allele frequency attached by ClinVar (database versions not stated): TOPMed below 0.00001; ExAC 0.00001; gnomAD 0.00001; gnomAD exomes 0.00003.
gnomAD v4.1: 40 of 1,563,034 alleles (0.0026%); highest among the groups gnomAD compares: South Asian, 0.048%; 1 homozygote.

Submissions (2):

Labcorp Genetics (formerly Invitae), Labcorp
Classification: Likely benign. Last evaluated: 2024-02-03. Review status: criteria provided, single submitter. Criteria: Invitae Variant Classification Sherloc (09022015). Collection method: clinical testing. Allele origin: germline.

PreventionGenetics, part of Exact Sciences
Classification: Likely benign for PCNT-related condition. Last evaluated: 2024-03-25. Review status: no assertion criteria provided. Collection method: clinical testing. Allele origin: germline. Not counted in ClinVar's aggregate classification.
Comment: This variant is classified as likely benign based on ACMG/AMP sequence variant interpretation guidelines (Richards et al. 2015 PMID: 25741868, with internal and published modifications).

NM_006031.6(PCNT):c.6762C>T (p.Cys2254=)

Gene: PCNT (pericentrin; plus strand). Cytogenetic location: 21q22.3.
Variant type: single nucleotide variant.
Coding change: c.6762C>T on transcript NM_006031.6 (MANE Select); coding-DNA position 6762, C replaced by T.
Protein change: p.Cys2254=; no amino-acid change (cysteine 2254 retained).
Molecular consequence: synonymous variant.
Genome position (GRCh38, 1-based): chr21:46,416,680, C>T. VCF-style: chr21-46416680-C-T. GRCh37 (hg19) VCF-style: chr21-47836594-C-T.
Other names: c.6762C>T (NM_006031.5); c.6408C>T, p.Cys2136= (NM_001315529.2).
Identifiers: ClinVar variation 2900714 (VCV002900714.4), dbSNP rs758677400, ClinGen allele CA10080392.